The following is an entry in ClinVar:

ClinVar aggregate classification (germline): Uncertain significance (1 of 4 stars; one submission).

Conditions:
Pierpont syndrome (PRPTS). Identifiers: Orphanet 487825, MedGen C1865644, MONDO:0011213, OMIM 602342.

Submission:

Labcorp Genetics (formerly Invitae), Labcorp
Classification: Uncertain significance for Pierpont syndrome. Last evaluated: 2024-05-15. Review status: criteria provided, single submitter. Criteria: Invitae Variant Classification Sherloc (09022015). Collection method: clinical testing. Allele origin: germline.
Comment: This sequence change replaces leucine, which is neutral and non-polar, with proline, which is neutral and non-polar, at codon 103 of the TBL1XR1 protein (p.Leu103Pro). This variant is not present in population databases (gnomAD no frequency). This variant has not been reported in the literature in individuals affected with TBL1XR1-related conditions. ClinVar contains an entry for this variant (Variation ID: 1378869). An algorithm developed to predict the effect of missense changes on protein structure and function (PolyPhen-2) suggests that this variant is likely to be tolerated. In summary, the available evidence is currently insufficient to determine the role of this variant in disease. Therefore, it has been classified as a Variant of Uncertain Significance.

NM_024665.7(TBL1XR1):c.308T>C (p.Leu103Pro)

Gene: TBL1XR1 (TBL1X/Y related 1; minus strand). Cytogenetic location: 3q26.32.
Variant type: single nucleotide variant.
Coding change: c.308T>C on transcript NM_024665.7 (MANE Select); coding-DNA position 308, T replaced by C.
Protein change: p.Leu103Pro; replaces leucine 103 with proline.
Molecular consequence: missense variant.
Genome position (GRCh38, 1-based): chr3:177,051,623, A>G on the plus strand (T>C on the coding strand, the complement: TBL1XR1 is on the minus strand). VCF-style: chr3-177051623-A-G. GRCh37 (hg19) VCF-style: chr3-176769411-A-G.
Other names: c.308T>C, p.Leu103Pro (NM_001321193.3, NM_001321194.3, NM_001374327.1 and 2 more transcripts); c.47T>C, p.Leu16Pro (NM_001321195.3, NM_001374330.1); short protein forms L103P, L16P.
Identifiers: ClinVar variation 1378869 (VCV001378869.8), dbSNP rs2108497048, ClinGen allele CA355553280.